The following is an entry in ClinVar:

NM_000038.6(APC):c.2185C>G (p.Leu729Val)

Gene: APC (APC regulator of Wnt signaling pathway; plus strand). Cytogenetic location: 5q22.2.
Variant type: single nucleotide variant.
Coding change: c.2185C>G on transcript NM_000038.6 (MANE Select); coding-DNA position 2185, C replaced by G.
Protein change: p.Leu729Val; replaces leucine 729 with valine.
Molecular consequence: missense variant.
Genome position (GRCh38, 1-based): chr5:112,837,779, C>G. VCF-style: chr5-112837779-C-G. GRCh37 (hg19) VCF-style: chr5-112173476-C-G.
Other names: c.2185C>G, p.Leu729Val (NM_001127510.3, NM_001354895.2); c.2131C>G, p.Leu711Val (NM_001127511.3); c.2239C>G, p.Leu747Val (NM_001354896.2); c.2215C>G, p.Leu739Val (NM_001354897.2); c.2110C>G, p.Leu704Val (NM_001354898.2); c.2101C>G, p.Leu701Val (NM_001354899.2); c.2062C>G, p.Leu688Val (NM_001354900.2); c.2008C>G, p.Leu670Val (NM_001354901.2); and 5 more; short protein forms L711V, L729V, L603V, L701V, L739V, L747V, L446V, L628V.
Identifiers: ClinVar variation 482504 (VCV000482504.14), dbSNP rs1554083995, ClinGen allele CA16026118.

ClinVar aggregate classification (germline): Uncertain significance. Review status: criteria provided, multiple submitters, no conflicts (2 of 4 stars). 2 submissions from 2 submitters: Uncertain significance (2). Last evaluated 2024-04-16.

Conditions:
Hereditary cancer-predisposing syndrome. Also called: Neoplastic Syndromes, Hereditary; Tumor predisposition; Hereditary Cancer Syndrome; Hereditary neoplastic syndrome. Identifiers: Orphanet 140162, MedGen C0027672, MeSH D009386, MONDO:0015356.
Familial adenomatous polyposis 1 (FAP1). Also called: FAMILIAL ADENOMATOUS POLYPOSIS 1, ATTENUATED; POLYPOSIS, ADENOMATOUS INTESTINAL. Identifiers: MedGen C2713442, MONDO:0021056, OMIM 175100. Disease mechanism: loss of function.

Submissions (2):

Labcorp Genetics (formerly Invitae), Labcorp
Classification: Uncertain significance for Familial adenomatous polyposis 1. Last evaluated: 2024-04-16. Review status: criteria provided, single submitter. Criteria: Invitae Variant Classification Sherloc (09022015). Collection method: clinical testing. Allele origin: germline.
Comment: This sequence change replaces leucine, which is neutral and non-polar, with valine, which is neutral and non-polar, at codon 729 of the APC protein (p.Leu729Val). This variant is not present in population databases (gnomAD no frequency). This variant has not been reported in the literature in individuals affected with APC-related conditions. ClinVar contains an entry for this variant (Variation ID: 482504). Advanced modeling of protein sequence and biophysical properties (such as structural, functional, and spatial information, amino acid conservation, physicochemical variation, residue mobility, and thermodynamic stability) performed at Invitae indicates that this missense variant is not expected to disrupt APC protein function with a negative predictive value of 95%. In summary, the available evidence is currently insufficient to determine the role of this variant in disease. Therefore, it has been classified as a Variant of Uncertain Significance.

Ambry Genetics
Classification: Uncertain significance for Hereditary cancer-predisposing syndrome. Last evaluated: 2017-08-01. Review status: criteria provided, single submitter. Criteria: Ambry Variant Classification Scheme 2023. Collection method: clinical testing. Allele origin: germline.
Comment: The p.L729V variant (also known as c.2185C>G), located in coding exon 15 of the APC gene, results from a C to G substitution at nucleotide position 2185. The leucine at codon 729 is replaced by valine, an amino acid with highly similar properties. This amino acid position is highly conserved in available vertebrate species. In addition, in silico predictors for this gene do not accurately predict pathogenicity. Since supporting evidence is limited at this time, the clinical significance of this alteration remains unclear.